The following is an entry in ClinVar:

NM_000836.4(GRIN2D):c.1792G>A (p.Ala598Thr)

Gene: GRIN2D (glutamate ionotropic receptor NMDA type subunit 2D; plus strand). Cytogenetic location: 19q13.33.
Variant type: single nucleotide variant.
Coding change: c.1792G>A on transcript NM_000836.4 (MANE Select); coding-DNA position 1792, G replaced by A.
Protein change: p.Ala598Thr; replaces alanine 598 with threonine.
Molecular consequence: missense variant.
Genome position (GRCh38, 1-based): chr19:48,419,290, G>A. VCF-style: chr19-48419290-G-A. GRCh37 (hg19) VCF-style: chr19-48922547-G-A.
Other names: short protein forms A598T.
Identifiers: ClinVar variation 3656225 (VCV003656225.2).

ClinVar aggregate classification (germline): Uncertain significance (1 of 4 stars; one submission).

Submission:

Labcorp Genetics (formerly Invitae), Labcorp
Classification: Uncertain significance. Last evaluated: 2024-06-11. Review status: criteria provided, single submitter. Criteria: Invitae Variant Classification Sherloc (09022015). Collection method: clinical testing. Allele origin: germline.
Comment: This sequence change replaces alanine, which is neutral and non-polar, with threonine, which is neutral and polar, at codon 598 of the GRIN2D protein (p.Ala598Thr). The frequency data for this variant in the population databases is considered unreliable, as metrics indicate poor data quality at this position in the gnomAD database. This variant has not been reported in the literature in individuals affected with GRIN2D-related conditions. Advanced modeling of protein sequence and biophysical properties (such as structural, functional, and spatial information, amino acid conservation, physicochemical variation, residue mobility, and thermodynamic stability) performed at Invitae indicates that this missense variant is not expected to disrupt GRIN2D protein function with a negative predictive value of 80%. In summary, the available evidence is currently insufficient to determine the role of this variant in disease. Therefore, it has been classified as a Variant of Uncertain Significance.